The following is an entry in ClinVar:

ClinVar aggregate classification (germline): Uncertain significance (1 of 4 stars; one submission).

Submission:

Women's Health and Genetics/Laboratory Corporation of America, LabCorp
Classification: Uncertain significance. Last evaluated: 2026-03-24. Review status: criteria provided, single submitter. Criteria: LabCorp Variant Classification Summary - May 2015. Collection method: clinical testing. Allele origin: germline.
Comment: Variant summary: COL1A2 c.3361C>A (p.Gln1121Lys) results in a conservative amino acid change in the encoded protein sequence. Algorithms developed to predict the effect of missense changes on protein structure and function are either unavailable or do not agree on the potential impact of this missense change. The variant was absent in 251178 control chromosomes. The available data on variant occurrences in the general population are insufficient to allow any conclusion about variant significance. To our knowledge, no occurrence of c.3361C>A in individuals affected with COL1A2-related conditions and no experimental evidence demonstrating its impact on protein function have been reported. No submitters have cited clinical-significance assessments for this variant to ClinVar. Based on the evidence outlined above, the variant was classified as uncertain significance.

NM_000089.4(COL1A2):c.3361C>A (p.Gln1121Lys)

Gene: COL1A2 (collagen type I alpha 2 chain; plus strand). Cytogenetic location: 7q21.3.
Variant type: single nucleotide variant.
Coding change: c.3361C>A on transcript NM_000089.4 (MANE Select); coding-DNA position 3361, C replaced by A.
Protein change: p.Gln1121Lys; replaces glutamine 1121 with lysine.
Molecular consequence: missense variant.
Genome position (GRCh38, 1-based): chr7:94,427,720, C>A. VCF-style: chr7-94427720-C-A. GRCh37 (hg19) VCF-style: chr7-94057032-C-A.
Other names: short protein forms Q1121K.
Identifiers: ClinVar variation 4847736 (VCV004847736.1).
Genomic context (GRCh38, chr7:94,427,720, plus strand): 5'-CCAGGTGTAAGCGGTGGTGGTTATGACTTTGGTTACGATGGAGACTTCTACAGGGCTGAC[C>A]AGCCTCGCTCAGCACCTTCTCTCAGACCCAAGGACTATGAAGTTGATGCTACTCTGAAGT-3'
Protein context (NP_000080.2, residues 1111-1131): GYDGDFYRAD[Gln1121Lys]PRSAPSLRPK